The following is an entry in ClinVar:

ClinVar aggregate classification (germline): Uncertain significance. Review status: criteria provided, multiple submitters, no conflicts (2 of 4 stars). 2 submissions from 2 submitters: Uncertain significance (2). Last evaluated 2022-12-21.

Conditions:
DICER1-related tumor predisposition. Also called: DICER1 syndrome; DICER1-related pleuropulmonary blastoma cancer predisposition syndrome. Identifiers: Orphanet 284343, MedGen C3839822, MONDO:0100216.
Hereditary cancer-predisposing syndrome. Also called: Neoplastic Syndromes, Hereditary; Hereditary Cancer Syndrome; Tumor predisposition; Hereditary neoplastic syndrome. Identifiers: Orphanet 140162, MedGen C0027672, MeSH D009386, MONDO:0015356.

Submissions (2):

Ambry Genetics
Classification: Uncertain significance for Hereditary cancer-predisposing syndrome. Last evaluated: 2022-12-21. Review status: criteria provided, single submitter. Criteria: Ambry Variant Classification Scheme 2023. Collection method: clinical testing. Allele origin: germline.
Comment: The p.T541A variant (also known as c.1621A>G), located in coding exon 9 of the DICER1 gene, results from an A to G substitution at nucleotide position 1621. The threonine at codon 541 is replaced by alanine, an amino acid with similar properties. This amino acid position is conserved. In addition, this alteration is predicted to be tolerated by in silico analysis. Since supporting evidence is limited at this time, the clinical significance of this alteration remains unclear.

Labcorp Genetics (formerly Invitae), Labcorp
Classification: Uncertain significance for DICER1-related tumor predisposition. Last evaluated: 2020-03-09. Review status: criteria provided, single submitter. Criteria: Invitae Variant Classification Sherloc (09022015). Collection method: clinical testing. Allele origin: germline.
Comment: In summary, the available evidence is currently insufficient to determine the role of this variant in disease. Therefore, it has been classified as a Variant of Uncertain Significance. Algorithms developed to predict the effect of missense changes on protein structure and function (SIFT, PolyPhen-2, Align-GVGD) all suggest that this variant is likely to be tolerated, but these predictions have not been confirmed by published functional studies and their clinical significance is uncertain. This variant has not been reported in the literature in individuals with DICER1-related conditions. This variant is not present in population databases (ExAC no frequency). This sequence change replaces threonine with alanine at codon 541 of the DICER1 protein (p.Thr541Ala). The threonine residue is highly conserved and there is a small physicochemical difference between threonine and alanine.

NM_177438.3(DICER1):c.1621A>G (p.Thr541Ala)

Gene: DICER1 (dicer 1, ribonuclease III; minus strand). Cytogenetic location: 14q32.13.
Variant type: single nucleotide variant.
Coding change: c.1621A>G on transcript NM_177438.3 (MANE Select); coding-DNA position 1621, A replaced by G.
Protein change: p.Thr541Ala; replaces threonine 541 with alanine.
Molecular consequence: missense variant.
Genome position (GRCh38, 1-based): chr14:95,116,584, T>C on the plus strand (A>G on the coding strand, the complement: DICER1 is on the minus strand). VCF-style: chr14-95116584-T-C. GRCh37 (hg19) VCF-style: chr14-95582921-T-C.
Other names: c.1621A>G (NM_177438.2); c.1621A>G, p.Thr541Ala (NM_001195573.1, NM_001271282.3, NM_001291628.2 and 1 more transcripts); short protein forms T541A.
Identifiers: ClinVar variation 1037695 (VCV001037695.11), dbSNP rs1892495354, ClinGen allele CA390884938.